The following is an entry in ClinVar:

ClinVar aggregate classification (germline): Pathogenic (1 of 4 stars; one submission).

Conditions:
Kabuki syndrome. Also called: NIIKAWA-KUROKI SYNDROME; Kabuki make-up syndrome. Identifiers: Orphanet 2322, MedGen C0796004, MONDO:0016512.

Submission:

Labcorp Genetics (formerly Invitae), Labcorp
Classification: Pathogenic for Kabuki syndrome. Last evaluated: 2022-09-02. Review status: criteria provided, single submitter. Criteria: Invitae Variant Classification Sherloc (09022015). Collection method: clinical testing. Allele origin: germline.
Comment: For these reasons, this variant has been classified as Pathogenic. Variants that disrupt the consensus splice site are a relatively common cause of aberrant splicing (PMID: 17576681, 9536098). Algorithms developed to predict the effect of sequence changes on RNA splicing suggest that this variant may disrupt the consensus splice site. Disruption of this splice site has been observed in individual(s) with clinical features of Kabuki syndrome (Invitae). In at least one individual the variant was observed to be de novo. This variant is not present in population databases (gnomAD no frequency). This sequence change affects an acceptor splice site in intron 53 of the KMT2D gene. While this variant is not anticipated to result in nonsense mediated decay, it likely alters RNA splicing and results in a disrupted protein product.

Literature cited by the submitters: PubMed 17576681; PubMed 9536098.

NM_003482.4(KMT2D):c.16522-2A>G

Gene: KMT2D (lysine methyltransferase 2D; minus strand). Cytogenetic location: 12q13.12.
Variant type: single nucleotide variant.
Coding change: c.16522-2A>G on transcript NM_003482.4 (MANE Select); the canonical splice acceptor site of the intron before coding-DNA position 16522, A replaced by G.
Molecular consequence: splice acceptor variant.
Genome position (GRCh38, 1-based): chr12:49,021,874, T>C on the plus strand (A>G on the coding strand, the complement: KMT2D is on the minus strand). VCF-style: chr12-49021874-T-C. GRCh37 (hg19) VCF-style: chr12-49415657-T-C.
Identifiers: ClinVar variation 2088162 (VCV002088162.4), dbSNP rs2499022427, ClinGen allele CA384675555.